The following is an entry in ClinVar:

ClinVar aggregate classification (germline): Uncertain significance (1 of 4 stars; one submission).

Conditions:
FG syndrome (FGS). Identifiers: MedGen C0220769, MONDO:0002010.

Submission:

Labcorp Genetics (formerly Invitae), Labcorp
Classification: Uncertain significance for FG syndrome. Last evaluated: 2023-12-13. Review status: criteria provided, single submitter. Criteria: Invitae Variant Classification Sherloc (09022015). Collection method: clinical testing. Allele origin: germline.
Comment: This sequence change replaces arginine, which is basic and polar, with glycine, which is neutral and non-polar, at codon 82 of the MED12 protein (p.Arg82Gly). This variant is not present in population databases (gnomAD no frequency). This variant has not been reported in the literature in individuals affected with MED12-related conditions. Advanced modeling of protein sequence and biophysical properties (such as structural, functional, and spatial information, amino acid conservation, physicochemical variation, residue mobility, and thermodynamic stability) has been performed at Invitae for this missense variant, however the output from this modeling did not meet the statistical confidence thresholds required to predict the impact of this variant on MED12 protein function. In summary, the available evidence is currently insufficient to determine the role of this variant in disease. Therefore, it has been classified as a Variant of Uncertain Significance.

NM_005120.3(MED12):c.244C>G (p.Arg82Gly)

Gene: MED12 (mediator complex subunit 12; plus strand). Cytogenetic location: Xq13.1.
Variant type: single nucleotide variant.
Coding change: c.244C>G on transcript NM_005120.3 (MANE Select); coding-DNA position 244, C replaced by G.
Protein change: p.Arg82Gly; replaces arginine 82 with glycine.
Molecular consequence: missense variant.
Genome position (GRCh38, 1-based): chrX:71,119,725, C>G. VCF-style: chrX-71119725-C-G. GRCh37 (hg19) VCF-style: chrX-70339575-C-G.
Other names: short protein forms R82G.
Identifiers: ClinVar variation 2701161 (VCV002701161.3), dbSNP rs1266838743, ClinGen allele CA413499096.